The following is an entry in ClinVar:

ClinVar aggregate classification (germline): Uncertain significance (1 of 4 stars; one submission).

gnomAD v4.1: 1 of 1,605,974 alleles (0.000062%); highest among the groups gnomAD compares: Non-Finnish European, 0.000085%; no homozygotes.

Submission:

Labcorp Genetics (formerly Invitae), Labcorp
Classification: Uncertain significance. Last evaluated: 2025-06-15. Review status: criteria provided, single submitter. Criteria: Invitae Variant Classification Sherloc (09022015). Collection method: clinical testing. Allele origin: germline.
Comment: This sequence change replaces arginine, which is basic and polar, with glycine, which is neutral and non-polar, at codon 865 of the PACS2 protein (p.Arg865Gly). This variant is not present in population databases (gnomAD no frequency). This variant has not been reported in the literature in individuals affected with PACS2-related conditions. Invitae Evidence Modeling of protein sequence and biophysical properties (such as structural, functional, and spatial information, amino acid conservation, physicochemical variation, residue mobility, and thermodynamic stability) indicates that this missense variant is expected to disrupt PACS2 protein function with a positive predictive value of 80%. In summary, the available evidence is currently insufficient to determine the role of this variant in disease. Therefore, it has been classified as a Variant of Uncertain Significance.

NM_001100913.3(PACS2):c.2593C>G (p.Arg865Gly)

Gene: PACS2 (phosphofurin acidic cluster sorting protein 2; plus strand). Cytogenetic location: 14q32.33.
Variant type: single nucleotide variant.
Coding change: c.2593C>G on transcript NM_001100913.3 (MANE Select); coding-DNA position 2593, C replaced by G.
Protein change: p.Arg865Gly; replaces arginine 865 with glycine.
Molecular consequence: missense variant.
Genome position (GRCh38, 1-based): chr14:105,393,332, C>G. VCF-style: chr14-105393332-C-G. GRCh37 (hg19) VCF-style: chr14-105859669-C-G.
Other names: c.2323C>G, p.Arg775Gly (NM_001243127.3); c.2548C>G, p.Arg850Gly (NM_015197.4); short protein forms R850G, R775G, R865G.
Identifiers: ClinVar variation 4740692 (VCV004740692.1).